The following is an entry in ClinVar:

NM_000051.4(ATM):c.7168_7170del (p.Leu2390del)

Genes: ATM (ATM serine/threonine kinase; plus strand), C11orf65 (chromosome 11 open reading frame 65; minus strand). Cytogenetic location: 11q22.3.
Variant type: Deletion.
Coding change: c.7168_7170del on transcript NM_000051.4 (MANE Select); coding-DNA positions 7168 to 7170, 3 bases deleted (TTA; older notation c.7168_7170delTTA).
Protein change: p.Leu2390del; deletes leucine 2390.
Molecular consequence: inframe deletion. On other transcripts: intron variant (2).
Genome position (GRCh38, 1-based): chr11:108,329,099-108,329,101, TTA deleted; deleting any 3 consecutive bases within chr11:108,329,098-108,329,101 gives the same sequence; the c. name uses the placement nearest the transcript's 3' end. VCF-style (leftmost placement, unchanged base first): chr11-108329097-CATT-C. GRCh37 (hg19) VCF-style: chr11-108199824-CATT-C.
Other names: c.7168_7170del, p.Leu2390del (NM_001351834.2); c.641-20029_641-20027del (NM_001330368.2); c.*38+6120_*38+6122del (NM_001351110.2); short protein forms L2390del.
Identifiers: ClinVar variation 2796934 (VCV002796934.1), dbSNP rs2547248217, ClinGen allele CA2615860656.
Genomic context (GRCh38, chr11:108,329,097, plus strand): 5'-GAAATTATGATGGAGAAAGTAGTGATGAGCTAAGAAATGGAAAAATGAAGGCATTTCTCT[CATT>C]AGCCCGGTTTTCAGATACTCAATACCAAAGAATTGAAAACTACATGAAATCATCGGAATT-3'

ClinVar aggregate classification (germline): Uncertain significance (1 of 4 stars; one submission).

Conditions:
Ataxia-telangiectasia syndrome (AT). Also called: LOUIS-BAR SYNDROME; Cerebello-oculocutaneous telangiectasia; Immunodeficiency with ataxia telangiectasia; Ataxia telangiectasia (A-T); Ataxia-telangiectasia, complementation group D; AT, COMPLEMENTATION GROUP C. Identifiers: Orphanet 100, MedGen C0004135, MONDO:0008840, OMIM 208900.

Submission:

Labcorp Genetics (formerly Invitae), Labcorp
Classification: Uncertain significance for Ataxia-telangiectasia syndrome. Last evaluated: 2023-06-05. Review status: criteria provided, single submitter. Criteria: Invitae Variant Classification Sherloc (09022015). Collection method: clinical testing. Allele origin: germline.
Comment: In summary, the available evidence is currently insufficient to determine the role of this variant in disease. Therefore, it has been classified as a Variant of Uncertain Significance. Algorithms developed to predict the effect of sequence changes on RNA splicing suggest that this variant may disrupt the consensus splice site. Experimental studies and prediction algorithms are not available or were not evaluated, and the functional significance of this variant is currently unknown. This variant has not been reported in the literature in individuals affected with ATM-related conditions. This variant is not present in population databases (gnomAD no frequency). This variant, c.7168_7170del, results in the deletion of 1 amino acid(s) of the ATM protein (p.Leu2390del), but otherwise preserves the integrity of the reading frame.